The following is an entry in ClinVar:

ClinVar aggregate classification (germline): Benign. Review status: criteria provided, multiple submitters, no conflicts (2 of 4 stars). 2 submissions from 2 submitters: Benign (2). Last evaluated 2018-01-12.

Conditions:
Hereditary sensory and autonomic neuropathy with spastic paraplegia (HSNSP). Identifiers: Orphanet 139578, MedGen C1850395, MONDO:0009748, OMIM 256840.

Allele frequency attached by ClinVar (database versions not stated): gnomAD 0.22645; TOPMed 0.23808; gnomAD exomes 0.25317; 1000 Genomes Project 30x 0.34119; 1000 Genomes Project 0.35363.
gnomAD v4.1: 56,306 of 236,894 alleles (24%); highest among the groups gnomAD compares: East Asian, 82%; 9,057 homozygotes.

Submissions (2):

Illumina Laboratory Services, Illumina
Classification: Benign for Hereditary sensory and autonomic neuropathy with spastic paraplegia. Last evaluated: 2018-01-12. Review status: criteria provided, single submitter. Criteria: ICSL Variant Classification Criteria 13 December 2019. Collection method: clinical testing. Allele origin: germline.
Comment: This variant was observed in the ICSL laboratory as part of a predisposition screen in an ostensibly healthy population. It had not been previously curated by ICSL or reported in the Human Gene Mutation Database (HGMD: prior to June 1st, 2018), and was therefore a candidate for classification through an automated scoring system. Utilizing variant allele frequency, disease prevalence and penetrance estimates, and inheritance mode, an automated score was calculated to assess if this variant is too frequent to cause the disease. Based on the score and internal cut-off values, a variant classified as benign is not then subjected to further curation. The score for this variant resulted in a classification of benign for this disease.

Breakthrough Genomics
Classification: Benign. Review status: criteria provided, single submitter. Criteria: ACMG Guidelines, 2015. Collection method: not provided. Allele origin: germline. Inheritance: Autosomal recessive inheritance. Affected: yes.

NM_012073.5(CCT5):c.*382C>T

Gene: CCT5 (chaperonin containing TCP1 subunit 5; plus strand). Cytogenetic location: 5p15.2.
Variant type: single nucleotide variant.
Coding change: c.*382C>T on transcript NM_012073.5 (MANE Select); 382 bases downstream of the stop codon, C replaced by T.
Molecular consequence: 3 prime UTR variant.
Genome position (GRCh38, 1-based): chr5:10,265,165, C>T. VCF-style: chr5-10265165-C-T. GRCh37 (hg19) VCF-style: chr5-10265277-C-T.
Other names: c.*382C>T (NM_001306153.1, NM_001306154.2, NM_001306155.2 and 1 more transcripts).
Identifiers: ClinVar variation 350270 (VCV000350270.6), dbSNP rs2578641, ClinGen allele CA10622135.